The following is an entry in ClinVar:

ClinVar aggregate classification (germline): Uncertain significance (1 of 4 stars; one submission).

Conditions:
Developmental and epileptic encephalopathy, 12 (DEE12). Identifiers: MedGen C3150988, MONDO:0013389, OMIM 613722.

Submission:

Labcorp Genetics (formerly Invitae), Labcorp
Classification: Uncertain significance for Developmental and epileptic encephalopathy, 12. Last evaluated: 2020-11-11. Review status: criteria provided, single submitter. Criteria: Invitae Variant Classification Sherloc (09022015). Collection method: clinical testing. Allele origin: germline.
Comment: In summary, the available evidence is currently insufficient to determine the role of this variant in disease. Therefore, it has been classified as a Variant of Uncertain Significance. Algorithms developed to predict the effect of missense changes on protein structure and function output the following: SIFT: "Tolerated"; PolyPhen-2: "Benign"; Align-GVGD: "Class C0". The phenylalanine amino acid residue is found in multiple mammalian species, suggesting that this missense change does not adversely affect protein function. These predictions have not been confirmed by published functional studies and their clinical significance is uncertain. This variant has not been reported in the literature in individuals with PNKP-related conditions. The frequency data for this variant in the population databases is considered unreliable, as metrics indicate insufficient coverage at this position in the ExAC database. This sequence change replaces valine with phenylalanine at codon 443 of the PNKP protein (p.Val443Phe). The valine residue is moderately conserved and there is a small physicochemical difference between valine and phenylalanine.

NM_007254.4(PNKP):c.1327G>T (p.Val443Phe)

Gene: PNKP (polynucleotide kinase 3'-phosphatase; minus strand). Cytogenetic location: 19q13.33.
Variant type: single nucleotide variant.
Coding change: c.1327G>T on transcript NM_007254.4 (MANE Select); coding-DNA position 1327, G replaced by T.
Protein change: p.Val443Phe; replaces valine 443 with phenylalanine.
Molecular consequence: missense variant.
Genome position (GRCh38, 1-based): chr19:49,861,667, C>A on the plus strand (G>T on the coding strand, the complement: PNKP is on the minus strand). VCF-style: chr19-49861667-C-A. GRCh37 (hg19) VCF-style: chr19-50364924-C-A.
Other names: short protein forms V443F.
Identifiers: ClinVar variation 1474984 (VCV001474984.8), dbSNP rs1421167718, ClinGen allele CA406933204.